The following is an entry in ClinVar:

NM_000053.4(ATP7B):c.3473G>T (p.Gly1158Val)

Gene: ATP7B (ATPase copper transporting beta; minus strand). Cytogenetic location: 13q14.3.
Variant type: single nucleotide variant.
Coding change: c.3473G>T on transcript NM_000053.4 (MANE Select); coding-DNA position 3473, G replaced by T.
Protein change: p.Gly1158Val; replaces glycine 1158 with valine.
Molecular consequence: missense variant.
Genome position (GRCh38, 1-based): chr13:51,941,164, C>A on the plus strand (G>T on the coding strand, the complement: ATP7B is on the minus strand). VCF-style: chr13-51941164-C-A. GRCh37 (hg19) VCF-style: chr13-52515300-C-A.
Other names: c.2852G>T, p.Gly951Val (NM_001005918.3); c.3140G>T, p.Gly1047Val (NM_001243182.2); c.3239G>T, p.Gly1080Val (NM_001330578.2); c.3221G>T, p.Gly1074Val (NM_001330579.2); short protein forms G1047V, G1074V, G1080V, G1158V, G951V.
Identifiers: ClinVar variation 811257 (VCV000811257.18), dbSNP rs770428835, ClinGen allele CA6988675.

ClinVar aggregate classification (germline): Conflicting classifications of pathogenicity. Review status: criteria provided, conflicting classifications (1 of 4 stars). 6 submissions from 6 submitters: Likely pathogenic (2); Uncertain significance (3). 1 of the submissions does not count toward it. Last evaluated 2026-01-06.

Conditions:
Wilson disease (WND). Also called: Wilson's disease. Identifiers: Orphanet 905, MedGen C0019202, MONDO:0010200, OMIM 277900. Disease mechanism: loss of function.

Allele frequency attached by ClinVar (database versions not stated): gnomAD exomes 0.00001 and 0.00002; ExAC 0.00002; TOPMed 0.00002; gnomAD 0.00003 and 0.00004.
gnomAD v4.1: 17 of 1,613,994 alleles (0.0011%); highest among the groups gnomAD compares: African/African-American, 0.0067%; no homozygotes.

Submissions (6):

Labcorp Genetics (formerly Invitae), Labcorp
Classification: Likely pathogenic for Wilson disease. Last evaluated: 2026-01-06. Review status: criteria provided, single submitter. Criteria: Invitae Variant Classification Sherloc (09022015). Collection method: clinical testing. Allele origin: germline.
Comment: This sequence change replaces glycine, which is neutral and non-polar, with valine, which is neutral and non-polar, at codon 1158 of the ATP7B protein (p.Gly1158Val). This variant is present in population databases (rs770428835, gnomAD 0.004%). This missense change has been observed in individual(s) with Wilson disease (PMID: 21610751; internal data). In at least one individual the data is consistent with being in trans (on the opposite chromosome) from a pathogenic variant. ClinVar contains an entry for this variant (Variation ID: 811257). Invitae Evidence Modeling of protein sequence and biophysical properties (such as structural, functional, and spatial information, amino acid conservation, physicochemical variation, residue mobility, and thermodynamic stability) has been performed for this missense variant. However, the output from this modeling did not meet the statistical confidence thresholds required to predict the impact of this variant on ATP7B protein function. In summary, the currently available evidence indicates that the variant is pathogenic, but additional data are needed to prove that conclusively. Therefore, this variant has been classified as Likely Pathogenic.

Women's Health and Genetics/Laboratory Corporation of America, LabCorp
Classification: Likely pathogenic for Wilson disease. Last evaluated: 2025-11-11. Review status: criteria provided, single submitter. Criteria: LabCorp Variant Classification Summary - May 2015. Collection method: clinical testing. Allele origin: germline.
Comment: Variant summary: ATP7B c.3473G>T (p.Gly1158Val) results in a non-conservative amino acid change in the encoded protein sequence. Algorithms developed to predict the effect of missense changes on protein structure and function all suggest that this variant is likely to be disruptive. The variant allele was found at a frequency of 2e-05 in 249588 control chromosomes (gnomAD). c.3473G>T has been observed in the presumed compound heterozygous state in at least 2 individual(s) affected with Wilson Disease (Moller_2011, Sandahl_2022, Labcorp Genetics (formerly Invitae)). These data indicate that the variant may be associated with disease. To our knowledge, no experimental evidence demonstrating an impact on protein function has been reported. The following publications have been ascertained in the context of this evaluation (PMID: 23235335, 39502306, 31059521, 21610751, 34773664). ClinVar contains an entry for this variant (Variation ID: 811257). Based on the evidence outlined above, the variant was classified as likely pathogenic.

ARUP Laboratories, Molecular Genetics and Genomics, ARUP Laboratories
Classification: Uncertain significance for Wilson disease. Last evaluated: 2023-12-01. Review status: criteria provided, single submitter. Criteria: ARUP Molecular Germline Variant Investigation Process 2024. Collection method: clinical testing. Allele origin: germline.
Comment: The ATP7B c.3473G>T; p.Gly1158Val variant (rs776086518) is described in the medical literature in at least one individual with a suspected diagnosis of Wilson disease who also carried an additional pathogenic variant (Moller 2011). The p.Gly1158Val variant is also reported in ClinVar (Variation ID: 811257). It is observed in the general population with an overall allele frequency of 0.002% (6/280922 alleles) in the Genome Aggregation Database (v2.1.1). Computational analyses predict that this variant is deleterious (REVEL: 0.832). Due to limited information, the clinical significance of this variant is uncertain at this time. References: Moller LB et al. Clinical presentation and mutations in Danish patients with Wilson disease. Eur J Hum Genet. 2011 Sep;19(9):935-41. PMID: 21610751.

All of Us Research Program, National Institutes of Health
Classification: Uncertain significance for Wilson disease. Last evaluated: 2023-08-15. Review status: criteria provided, single submitter. Criteria: ACMG Guidelines, 2015. Collection method: clinical testing. Allele origin: germline. Inheritance: Autosomal recessive inheritance. Observed: 3 variant alleles, 3 heterozygotes.
Comment: This missense variant replaces glycine with valine at codon 1158 of the ATP7B protein. Computational prediction suggests that this variant may have deleterious impact on protein structure and function (internally defined REVEL score threshold >= 0.7, PMID: 27666373). To our knowledge, functional studies have not been reported for this variant. This variant has not been reported in individuals affected with Wilson disease in the literature. This variant has been identified in 6/280922 chromosomes in the general population by the Genome Aggregation Database (gnomAD). The available evidence is insufficient to determine the role of this variant in disease conclusively. Therefore, this variant is classified as a Variant of Uncertain Significance.

This study involves interpretation of variants in research participants for the purpose of population health screening. Participant phenotype was not available at the time of variant classification. Additional details can be found in publication PMID: 35346344, PMCID: PMC8962531

Color Diagnostics, LLC DBA Color Health
Classification: Uncertain significance for Wilson disease. Last evaluated: 2022-09-15. Review status: criteria provided, single submitter. Criteria: ACMG Guidelines, 2015. Collection method: clinical testing. Allele origin: germline.
Comment: This missense variant replaces glycine with valine at codon 1158 of the ATP7B protein. Computational prediction suggests that this variant may have deleterious impact on protein structure and function. To our knowledge, functional studies have not been reported for this variant. This variant has not been reported in individuals affected with Wilson disease in the literature. This variant has been identified in 6/280922 chromosomes in the general population by the Genome Aggregation Database (gnomAD). The available evidence is insufficient to determine the role of this variant in disease conclusively. Therefore, this variant is classified as a Variant of Uncertain Significance.

Natera, Inc.
Classification: Uncertain significance for Wilson disease. Last evaluated: 2021-10-06. Review status: no assertion criteria provided. Collection method: clinical testing. Allele origin: germline. Not counted in ClinVar's aggregate classification.

Literature cited by the submitters: PubMed 21610751 (cited by Labcorp Genetics (formerly Invitae), Labcorp and Women's Health and Genetics/Laboratory Corporation of America, LabCorp); PubMed 23235335 (cited by Women's Health and Genetics/Laboratory Corporation of America, LabCorp); PubMed 31059521 (cited by Women's Health and Genetics/Laboratory Corporation of America, LabCorp); PubMed 34773664 (cited by Women's Health and Genetics/Laboratory Corporation of America, LabCorp); PubMed 39502306 (cited by Women's Health and Genetics/Laboratory Corporation of America, LabCorp).